The following is an entry in ClinVar:

NM_001204.7(BMPR2):c.1471C>T (p.Arg491Trp)

Gene: BMPR2 (bone morphogenetic protein receptor type 2; plus strand). Cytogenetic location: 2q33.2.
Variant type: single nucleotide variant.
Coding change: c.1471C>T on transcript NM_001204.7 (MANE Select); coding-DNA position 1471, C replaced by T.
Protein change: p.Arg491Trp; replaces arginine 491 with tryptophan.
Molecular consequence: missense variant.
Genome position (GRCh38, 1-based): chr2:202,552,773, C>T. VCF-style: chr2-202552773-C-T. GRCh37 (hg19) VCF-style: chr2-203417496-C-T.
Other names: c.1471C>T, p.Arg491Trp (LRG_712t1); short protein forms R491W.
Identifiers: ClinVar variation 8802 (VCV000008802.17), dbSNP rs137852746, ClinGen allele CA278081.
Genomic context (GRCh38, chr2:202,552,773, plus strand): 5'-CAGGCAGTGAGGTCACTCAAGGAGACAATCGAAGACTGTTGGGACCAGGATGCAGAGGCT[C>T]GGCTTACTGCACAGTGTGCTGAGGAAAGGATGGCTGAACTTATGATGATTTGGGAAAGAA-3'
Protein context (NP_001195.2, residues 481-501): EDCWDQDAEA[Arg491Trp]LTAQCAEERM

ClinVar aggregate classification (germline): Pathogenic. Review status: criteria provided, multiple submitters, no conflicts (2 of 4 stars). 10 submissions from 10 submitters: Pathogenic (4). 6 of the submissions do not count toward it. Last evaluated 2025-10-02.

Conditions:
Primary pulmonary hypertension. Also called: Idiopathic pulmonary hypertension. Identifiers: MedGen C0152171.
BMPR2-related disorder. Also called: BMPR2-related disorders; BMPR2-related condition.
Pulmonary arterial hypertension. Identifiers: Orphanet 182090, MedGen C2973725, MeSH D000081029, MONDO:0015924, HP:0002092.
Idiopathic and/or familial pulmonary arterial hypertension. Identifiers: Orphanet 422, MedGen C5679820, MONDO:0008347.
Pulmonary hypertension, primary, 1 (PPH1). Also called: Pulmonary hypertension, familial primary, 1, with or without HHT. Identifiers: Orphanet 422, MedGen C4552070, MONDO:0024533, OMIM 178600.
Pulmonary venoocclusive disease 1 (PVOD1). Also called: Pulmonary venoocclusive disease 1, autosomal dominant. Identifiers: Orphanet 31837, MedGen C3887658, MONDO:0020713, OMIM 265450.

Submissions (10):

Labcorp Genetics (formerly Invitae), Labcorp
Classification: Pathogenic for Primary pulmonary hypertension. Last evaluated: 2025-10-02. Review status: criteria provided, single submitter. Criteria: Invitae Variant Classification Sherloc (09022015). Collection method: clinical testing. Allele origin: germline.
Comment: This sequence change replaces arginine, which is basic and polar, with tryptophan, which is neutral and slightly polar, at codon 491 of the BMPR2 protein (p.Arg491Trp). This variant is not present in population databases (gnomAD no frequency). This missense change has been observed in individuals with pulmonary hypertension (PMID: 10903931, 28388887). Invitae Evidence Modeling of clinical and family history, age, sex, and reported ancestry of multiple individuals with this BMPR2 variant has been performed. This variant is expected to be pathogenic with a positive predictive value of at least 99%. This is a validated machine learning model that incorporates the clinical features of 21,746 individuals referred to our laboratory for BMPR2 testing. ClinVar contains an entry for this variant (Variation ID: 8802). Invitae Evidence Modeling incorporating data from in vitro experimental studies (internal data) indicates that this missense variant is expected to disrupt BMPR2 function with a positive predictive value of 95%. This variant disrupts the p.Arg491 amino acid residue in BMPR2. Other variant(s) that disrupt this residue have been determined to be pathogenic (internal data). This suggests that this residue is clinically significant, and that variants that disrupt this residue are likely to be disease-causing. For these reasons, this variant has been classified as Pathogenic.

GeneDx
Classification: Pathogenic. Last evaluated: 2023-04-11. Review status: criteria provided, single submitter. Criteria: GeneDx Variant Classification Process June 2021. Collection method: clinical testing. Allele origin: germline. Affected: yes.
Comment: Not observed at significant frequency in large population cohorts (gnomAD); Published functional studies demonstrate that this variant inhibits Smad pathway activation and leads to disruption of other downstream signalling pathways (Rudarakanchana et al., 2002); In silico analysis, which includes protein predictors and evolutionary conservation, supports a deleterious effect; This variant is associated with the following publications: (PMID: 27587546, 21737554, 32634488, 35346192, 32581362, 19324947, 25688877, 27811071, 29843651, 28388887, 29743074, 30578397, 26387786, 14985116, 20002458, 15591269, 16429395, 11502704, 12045205, 20534176, 18356561, 15059534, 16002577, 10903931, 18503968, 31727138, 32966279, 33066286, 21801371)

John Welsh Cardiovascular Diagnostic Laboratory, Baylor College of Medicine
Classification: Pathogenic for Pulmonary arterial hypertension. Last evaluated: 2022-09-26. Review status: criteria provided, single submitter. Criteria: ACMG Guidelines, 2015. Collection method: clinical testing. Allele origin: germline.

Juno Genomics, Hangzhou Juno Genomics, Inc
Classification: Pathogenic for Pulmonary hypertension, primary, 1; Pulmonary venoocclusive disease 1. Review status: criteria provided, single submitter. Criteria: ACMG Guidelines, 2015. Collection method: clinical testing. Allele origin: germline. Affected: yes.
Comment: Absent from controls (or at extremely low frequency if recessive) in Genome Aggregation Database, Exome Sequencing Project, 1000 Genomes Project, or Exome Aggregation Consortium.;Multiple lines of computational evidence support a deleterious effect on the gene or gene product (conservation, evolutionary, splicing impact, etc).;Novel missense change at an amino acid residue where a different missense change determined to be pathogenic has been seen before.;The prevalence of the variant in affected individuals is significantly increased compared to the prevalence in controls.;Located in a mutational hot spot and/or critical and well-established functional domain (e.g. active site of an enzyme) without benign variation.

PreventionGenetics, part of Exact Sciences
Classification: Pathogenic for BMPR2-related condition. Last evaluated: 2024-03-21. Review status: no assertion criteria provided. Collection method: clinical testing. Allele origin: germline. Not counted in ClinVar's aggregate classification.
Comment: The BMPR2 c.1471C>T variant is predicted to result in the amino acid substitution p.Arg491Trp. This variant has been reported in patients with pulmonary arterial hypertension (PAH) (e.g., Liu et al. 2011. PubMed ID: 21737554; Ghigna et al. 2016. PubMed ID: 27811071; Yang et al. 2018. PubMed ID: 29743074; Wang et al. 2019. PubMed ID: 30578397, see Supplementary Dataset 1). An alternate substitution of the same amino acid (p.Arg491Gln) has also been reported in PAH patients (Liu et al. 2011. PubMed ID: 21737554). The p.Arg491 amino acid is located in the BMPR2 kinase domain, and alterations of this amino acid have been reported to disrupt downstream signaling (Rudarakanchana et al. 2002. PubMed ID: 12045205; Dewachter et al. 2009. PubMed ID: 19324947). This variant has not been reported in the literature or in a large population database, indicating it is rare. Several outside laboratories have interpreted this variant as pathogenic. This variant is interpreted as pathogenic.

Center for Genomic Medicine, Kyoto University Graduate School of Medicine
Classification: Pathogenic for Pulmonary hypertension, primary, 1. Last evaluated: 2016-07-11. Review status: no assertion criteria provided. Collection method: clinical testing. Allele origin: germline. Affected: yes. Not counted in ClinVar's aggregate classification.

OMIM
Classification: Pathogenic for PULMONARY HYPERTENSION, PRIMARY, 1. Last evaluated: 2000-09-01. Review status: no assertion criteria provided. Collection method: literature only. Allele origin: germline. Not counted in ClinVar's aggregate classification.

NIHR Bioresource Rare Diseases, University of Cambridge
Classification: Pathogenic for Pulmonary arterial hypertension. Review status: no assertion criteria provided. Collection method: research. Allele origin: unknown. Affected: yes. Observed: 6 variant alleles. Not counted in ClinVar's aggregate classification.

Rare Disease Genomics Group, St George's University of London
Classification: Pathogenic for Primary pulmonary hypertension. Review status: no assertion criteria provided. Collection method: literature only. Allele origin: germline. Affected: yes. Not counted in ClinVar's aggregate classification.

Wendy Chung Laboratory, Boston Children's Hospital
No classification provided. Condition: Idiopathic and/or familial pulmonary arterial hypertension. Review status: no classification provided. Collection method: literature only. Allele origin: germline. Affected: yes. Not counted in ClinVar's aggregate classification.

Literature cited by the submitters: PubMed 10903931 (cited by 3 submitters); PubMed 28388887 (cited by Labcorp Genetics (formerly Invitae), Labcorp); PubMed 3291115 (cited by OMIM); PubMed 32581362 (cited by NIHR Bioresource Rare Diseases, University of Cambridge); PubMed 11502704 (cited by Rare Disease Genomics Group, St George's University of London); PubMed 15059534 (cited by Rare Disease Genomics Group, St George's University of London); PubMed 15591269 (cited by Rare Disease Genomics Group, St George's University of London); PubMed 14985116 (cited by Rare Disease Genomics Group, St George's University of London); PubMed 16429395 (cited by Rare Disease Genomics Group, St George's University of London); PubMed 20534176 (cited by Rare Disease Genomics Group, St George's University of London); PubMed 20002458 (cited by Rare Disease Genomics Group, St George's University of London); PubMed 21801371 (cited by Rare Disease Genomics Group, St George's University of London); PubMed 21737554 (cited by Rare Disease Genomics Group, St George's University of London); PubMed 31727138 (cited by Wendy Chung Laboratory, Boston Children's Hospital).